The following is an entry in ClinVar:

NM_080916.3(DGUOK):c.436A>G (p.Ser146Gly)

Gene: DGUOK (deoxyguanosine kinase; plus strand). Cytogenetic location: 2p13.1.
Variant type: single nucleotide variant.
Coding change: c.436A>G on transcript NM_080916.3 (MANE Select); coding-DNA position 436, A replaced by G.
Protein change: p.Ser146Gly; replaces serine 146 with glycine.
Molecular consequence: missense variant. On other transcripts: non-coding transcript variant (4), intron variant (3).
Genome position (GRCh38, 1-based): chr2:73,946,899, A>G. VCF-style: chr2-73946899-A-G. GRCh37 (hg19) VCF-style: chr2-74174026-A-G.
Other names: c.145A>G, p.Ser49Gly (NM_001318860.2, NM_001318861.2); c.436A>G, p.Ser146Gly (NM_080918.3); c.134+11A>G (NM_001318862.2, NM_001318863.2); c.425+11A>G (NM_001318859.2); short protein forms S146G, S49G.
Identifiers: ClinVar variation 1923449 (VCV001923449.2), dbSNP rs1682378491, ClinGen allele CA347299459.

ClinVar aggregate classification (germline): Uncertain significance (1 of 4 stars; one submission).

Allele frequency attached by ClinVar (database versions not stated): TOPMed below 0.00001.
gnomAD v4.1: 5 of 1,611,394 alleles (0.00031%); highest among the groups gnomAD compares: Non-Finnish European, 0.00042%; no homozygotes.

Submission:

Labcorp Genetics (formerly Invitae), Labcorp
Classification: Uncertain significance. Last evaluated: 2022-05-31. Review status: criteria provided, single submitter. Criteria: Invitae Variant Classification Sherloc (09022015). Collection method: clinical testing. Allele origin: germline.
Comment: This sequence change replaces serine, which is neutral and polar, with glycine, which is neutral and non-polar, at codon 146 of the DGUOK protein (p.Ser146Gly). This variant is not present in population databases (gnomAD no frequency). This variant has not been reported in the literature in individuals affected with DGUOK-related conditions. Algorithms developed to predict the effect of missense changes on protein structure and function are either unavailable or do not agree on the potential impact of this missense change (SIFT: "Deleterious"; PolyPhen-2: "Probably Damaging"; Align-GVGD: "Class C0"). In summary, the available evidence is currently insufficient to determine the role of this variant in disease. Therefore, it has been classified as a Variant of Uncertain Significance.